The following is an entry in ClinVar:

ClinVar aggregate classification (germline): Uncertain significance. Review status: criteria provided, multiple submitters, no conflicts (2 of 4 stars). 3 submissions from 3 submitters: Uncertain significance (2). 1 of the submissions does not count toward it. Last evaluated 2015-06-16.

Conditions:
Hereditary spastic paraplegia 6 (SPG6). Also called: SPASTIC PARAPLEGIA 6, AUTOSOMAL DOMINANT. Identifiers: Orphanet 100988, MedGen C1838192, MONDO:0010878, OMIM 600363.

Submissions (3):

Genomic Diagnostic Laboratory, Division of Genomic Diagnostics, Children's Hospital of Philadelphia
Classification: Uncertain significance. Last evaluated: 2015-06-16. Review status: criteria provided, single submitter. Criteria: DGD Variant Analysis Guidelines. Collection method: clinical testing. Allele origin: unknown.

Breakthrough Genomics
Classification: Uncertain significance. Review status: criteria provided, single submitter. Criteria: ACMG Guidelines, 2015. Collection method: not provided. Allele origin: germline. Inheritance: Autosomal dominant inheritance. Affected: yes.

My Variant Coach
Classification: Uncertain significance for Hereditary spastic paraplegia 6. Last evaluated: 2026-05-09. Review status: no assertion criteria provided. Collection method: research. Allele origin: germline. Inheritance: Autosomal dominant inheritance. Observed: 1 variant allele, 1 heterozygote. Not counted in ClinVar's aggregate classification.
Comment: Muscle biopsy demonstrated neurogenic and mild myopathic abnormalities. The variant is absent from gnomAD v4.1.1 population databases and affects a conserved residue. Computational prediction tools suggest potential functional relevance. Clinical significance remains uncertain.

NM_144599.5(NIPA1):c.41C>G (p.Ala14Gly)

Genes: NIPA1 (NIPA magnesium transporter 1; plus strand), LOC130056709 (ATAC-STARR-seq lymphoblastoid silent region 6259; plus strand). Cytogenetic location: 15q11.2.
Variant type: single nucleotide variant.
Coding change: c.41C>G on transcript NM_144599.5 (MANE Select); coding-DNA position 41, C replaced by G.
Protein change: p.Ala14Gly; replaces alanine 14 with glycine.
Molecular consequence: missense variant. On other transcripts: intron variant (1).
Genome position (GRCh38, 1-based): chr15:22,786,697, C>G. VCF-style: chr15-22786697-C-G. GRCh37 (hg19) VCF-style: chr15-23086371-G-C.
Other names: c.-48+449C>G (NM_001142275.1); short protein forms A14G.
Identifiers: ClinVar variation 218839 (VCV000218839.2), dbSNP rs864309628, ClinGen allele CA249415.